The following is an entry in ClinVar:

ClinVar aggregate classification (germline): Uncertain significance (1 of 4 stars; one submission).

Conditions:
Long QT syndrome (LQTS). Identifiers: MedGen C0023976, MeSH D008133, MONDO:0002442. Disease mechanism: loss of function. Inheritance: Various modes of inheritance.

Submission:

Labcorp Genetics (formerly Invitae), Labcorp
Classification: Uncertain significance for Long QT syndrome. Last evaluated: 2025-06-03. Review status: criteria provided, single submitter. Criteria: Invitae Variant Classification Sherloc (09022015). Collection method: clinical testing. Allele origin: germline.
Comment: This sequence change replaces isoleucine, which is neutral and non-polar, with valine, which is neutral and non-polar, at codon 161 of the KCNQ1 protein (p.Ile161Val). This variant is not present in population databases (gnomAD no frequency). This variant has not been reported in the literature in individuals affected with KCNQ1-related conditions. Invitae Evidence Modeling of protein sequence and biophysical properties (such as structural, functional, and spatial information, amino acid conservation, physicochemical variation, residue mobility, and thermodynamic stability) has been performed for this missense variant. However, the output from this modeling did not meet the statistical confidence thresholds required to predict the impact of this variant on KCNQ1 protein function. In summary, the available evidence is currently insufficient to determine the role of this variant in disease. Therefore, it has been classified as a Variant of Uncertain Significance.

NM_000218.3(KCNQ1):c.481A>G (p.Ile161Val)

Gene: KCNQ1 (potassium voltage-gated channel subfamily Q member 1; plus strand). Cytogenetic location: 11p15.5.
Variant type: single nucleotide variant.
Coding change: c.481A>G on transcript NM_000218.3 (MANE Select); coding-DNA position 481, A replaced by G.
Protein change: p.Ile161Val; replaces isoleucine 161 with valine.
Molecular consequence: missense variant. On other transcripts: intron variant (1).
Genome position (GRCh38, 1-based): chr11:2,570,631, A>G. VCF-style: chr11-2570631-A-G. GRCh37 (hg19) VCF-style: chr11-2591861-A-G.
Other names: c.481A>G, p.Ile161Val (NM_001406836.1); c.211A>G, p.Ile71Val (NM_001406837.1); c.100A>G, p.Ile34Val (NM_181798.2); c.478-12804A>G (NM_001406838.1); short protein forms I161V, I34V, I71V.
Identifiers: ClinVar variation 4798514 (VCV004798514.1).